The following is an entry in ClinVar:

ClinVar aggregate classification (germline): Uncertain significance (1 of 4 stars; one submission).

Conditions:
Developmental and epileptic encephalopathy, 37 (DEE37). Also called: Epileptic encephalopathy, early infantile, 37. Identifiers: MedGen C4310770, MONDO:0014859, OMIM 616981.

Submission:

Labcorp Genetics (formerly Invitae), Labcorp
Classification: Uncertain significance for Developmental and epileptic encephalopathy, 37. Last evaluated: 2018-01-02. Review status: criteria provided, single submitter. Criteria: Invitae Variant Classification Sherloc (09022015). Collection method: clinical testing. Allele origin: germline.
Comment: In summary, the available evidence is currently insufficient to determine the role of this variant in disease. Therefore, it has been classified as a Variant of Uncertain Significance. Algorithms developed to predict the effect of missense changes on protein structure and function (SIFT, PolyPhen-2, Align-GVGD) all suggest that this variant is likely to be tolerated, but these predictions have not been confirmed by published functional studies and their clinical significance is uncertain. This variant has not been reported in the literature in individuals with FRRS1L-related disease. This variant is not present in population databases (ExAC no frequency). This sequence change replaces alanine with threonine at codon 181 of the FRRS1L protein (p.Ala181Thr). The alanine residue is highly conserved and there is a small physicochemical difference between alanine and threonine.

NM_014334.4(FRRS1L):c.388G>A (p.Ala130Thr)

Gene: FRRS1L (ferric chelate reductase 1 like; minus strand). Cytogenetic location: 9q31.3.
Variant type: single nucleotide variant.
Coding change: c.388G>A on transcript NM_014334.4 (MANE Select); coding-DNA position 388, G replaced by A.
Protein change: p.Ala130Thr; replaces alanine 130 with threonine.
Molecular consequence: missense variant.
Genome position (GRCh38, 1-based): chr9:109,147,125, C>T on the plus strand (G>A on the coding strand, the complement: FRRS1L is on the minus strand). VCF-style: chr9-109147125-C-T. GRCh37 (hg19) VCF-style: chr9-111909405-C-T.
Other names: short protein forms A130T.
Identifiers: ClinVar variation 572219 (VCV000572219.9), dbSNP rs1483638106, ClinGen allele CA374426985.